The following is an entry in ClinVar:

ClinVar aggregate classification (germline): Uncertain significance (1 of 4 stars; one submission).

Conditions:
Hereditary cancer-predisposing syndrome. Also called: Neoplastic Syndromes, Hereditary; Tumor predisposition; Hereditary Cancer Syndrome; Hereditary neoplastic syndrome. Identifiers: Orphanet 140162, MedGen C0027672, MeSH D009386, MONDO:0015356.

Submission:

Ambry Genetics
Classification: Uncertain significance for Hereditary cancer-predisposing syndrome. Last evaluated: 2025-08-25. Review status: criteria provided, single submitter. Criteria: Ambry Variant Classification Scheme 2023. Collection method: clinical testing. Allele origin: germline.
Comment: The p.H1213R variant (also known as c.3638A>G), located in coding exon 24 of the ATM gene, results from an A to G substitution at nucleotide position 3638. The histidine at codon 1213 is replaced by arginine, an amino acid with highly similar properties. This amino acid position is conserved. In addition, this alteration is predicted to be deleterious by in silico analysis. Based on the available evidence, the clinical significance of this variant remains unclear.

NM_000051.4(ATM):c.3638A>G (p.His1213Arg)

Gene: ATM (ATM serine/threonine kinase; plus strand). Cytogenetic location: 11q22.3.
Variant type: single nucleotide variant.
Coding change: c.3638A>G on transcript NM_000051.4 (MANE Select); coding-DNA position 3638, A replaced by G.
Protein change: p.His1213Arg; replaces histidine 1213 with arginine.
Molecular consequence: missense variant.
Genome position (GRCh38, 1-based): chr11:108,282,771, A>G. VCF-style: chr11-108282771-A-G. GRCh37 (hg19) VCF-style: chr11-108153498-A-G.
Other names: c.3638A>G, p.His1213Arg (NM_001351834.2); short protein forms H1213R.
Identifiers: ClinVar variation 4167488 (VCV004167488.1).